The following is an entry in ClinVar:

ClinVar aggregate classification (germline): Uncertain significance. Review status: criteria provided, multiple submitters, no conflicts (2 of 4 stars). 2 submissions from 2 submitters: Uncertain significance (2). Last evaluated 2023-08-22.

Conditions:
Oculodentodigital dysplasia, autosomal recessive. Also called: OCULODENTOOSSEOUS DYSPLASIA, AUTOSOMAL RECESSIVE; ODDD, AUTOSOMAL RECESSIVE; ODOD, AUTOSOMAL RECESSIVE. Identifiers: Orphanet 2710, MedGen C2749477, MONDO:0009768, OMIM 257850.
GJA1-related disorder. Also called: GJA1-related condition.

Allele frequency attached by ClinVar (database versions not stated): TOPMed below 0.00001.
gnomAD v4.1: 1 of 1,613,430 alleles (0.000062%); highest among the groups gnomAD compares: Non-Finnish European, 0.000085%; no homozygotes.

Submissions (2):

PreventionGenetics, part of Exact Sciences
Classification: Uncertain significance for GJA1-related condition. Last evaluated: 2023-08-22. Review status: criteria provided, single submitter. Criteria: ACMG Guidelines, 2015. Collection method: clinical testing. Allele origin: germline.
Comment: The GJA1 c.732C>A variant is predicted to result in the amino acid substitution p.Ser244Arg. To our knowledge, this variant has not been reported in the literature. This variant is reported in 0.00088% of alleles in individuals of European (Non-Finnish) descent in gnomAD. At this time, the clinical significance of this variant is uncertain due to the absence of conclusive functional and genetic evidence.

Labcorp Genetics (formerly Invitae), Labcorp
Classification: Uncertain significance for Oculodentodigital dysplasia, autosomal recessive. Last evaluated: 2019-09-24. Review status: criteria provided, single submitter. Criteria: Invitae Variant Classification Sherloc (09022015). Collection method: clinical testing. Allele origin: germline.
Comment: This variant is present in population databases (rs754052391, ExAC 0.001%). In summary, the available evidence is currently insufficient to determine the role of this variant in disease. Therefore, it has been classified as a Variant of Uncertain Significance. Algorithms developed to predict the effect of missense changes on protein structure and function (SIFT, PolyPhen-2, Align-GVGD) all suggest that this variant is likely to be tolerated, but these predictions have not been confirmed by published functional studies and their clinical significance is uncertain. This variant has not been reported in the literature in individuals with GJA1-related conditions. This sequence change replaces serine with arginine at codon 244 of the GJA1 protein (p.Ser244Arg). The serine residue is weakly conserved and there is a moderate physicochemical difference between serine and arginine.

NM_000165.5(GJA1):c.732C>A (p.Ser244Arg)

Gene: GJA1 (gap junction protein alpha 1; plus strand). Cytogenetic location: 6q22.31.
Variant type: single nucleotide variant.
Coding change: c.732C>A on transcript NM_000165.5 (MANE Select); coding-DNA position 732, C replaced by A.
Protein change: p.Ser244Arg; replaces serine 244 with arginine.
Molecular consequence: missense variant.
Genome position (GRCh38, 1-based): chr6:121,447,579, C>A. VCF-style: chr6-121447579-C-A. GRCh37 (hg19) VCF-style: chr6-121768725-C-A.
Other names: short protein forms S244R.
Identifiers: ClinVar variation 963921 (VCV000963921.10), dbSNP rs754052391, ClinGen allele CA3981734.